The following is an entry in ClinVar:

NM_005402.4(RALA):c.377G>A (p.Gly126Asp)

Gene: RALA (RAS like proto-oncogene A; plus strand). Cytogenetic location: 7p14.1.
Variant type: single nucleotide variant.
Coding change: c.377G>A on transcript NM_005402.4 (MANE Select); coding-DNA position 377, G replaced by A.
Protein change: p.Gly126Asp; replaces glycine 126 with aspartic acid.
Molecular consequence: missense variant.
Genome position (GRCh38, 1-based): chr7:39,696,738, G>A. VCF-style: chr7-39696738-G-A. GRCh37 (hg19) VCF-style: chr7-39736337-G-A.
Other names: short protein forms G126D.
Identifiers: ClinVar variation 2060502 (VCV002060502.4), dbSNP rs2534049524, ClinGen allele CA367306234.

ClinVar aggregate classification (germline): Uncertain significance (1 of 4 stars; one submission).

Submission:

Labcorp Genetics (formerly Invitae), Labcorp
Classification: Uncertain significance. Last evaluated: 2023-01-25. Review status: criteria provided, single submitter. Criteria: Invitae Variant Classification Sherloc (09022015). Collection method: clinical testing. Allele origin: germline.
Comment: This sequence change replaces glycine, which is neutral and non-polar, with aspartic acid, which is acidic and polar, at codon 126 of the RALA protein (p.Gly126Asp). This variant is not present in population databases (gnomAD no frequency). This variant has not been reported in the literature in individuals affected with RALA-related conditions. Advanced modeling of protein sequence and biophysical properties (such as structural, functional, and spatial information, amino acid conservation, physicochemical variation, residue mobility, and thermodynamic stability) performed at Invitae indicates that this missense variant is expected to disrupt RALA protein function. In summary, the available evidence is currently insufficient to determine the role of this variant in disease. Therefore, it has been classified as a Variant of Uncertain Significance.